The following is an entry in ClinVar:

NM_002627.5(PFKP):c.1849-11CT[2]

Gene: PFKP (phosphofructokinase, platelet; plus strand). Cytogenetic location: 10p15.2.
Variant type: Microsatellite.
Coding change: c.1849-11CT[2] on transcript NM_002627.5 (MANE Select); two copies in a row of the 2-base unit CT starting at c.1849-11; the reference has three copies in a row; one copy, 2 bases deleted.
Molecular consequence: intron variant.
Genome position (GRCh38, 1-based): chr10:3,132,373-3,132,374, CT deleted; deleting any 2 consecutive bases within chr10:3,132,369-3,132,374 gives the same sequence; the position shown is the placement nearest the transcript's 3' end. VCF-style (leftmost placement, unchanged base first): chr10-3132368-ACT-A. GRCh37 (hg19) VCF-style: chr10-3174560-ACT-A.
Other names: c.1735-11CT[2] (NM_001323071.2, NM_001323072.2, NM_001345944.1); c.2002-11CT[2] (NM_001410880.1); c.1696-11CT[2] (NM_001323068.2); c.1342-11CT[2] (NM_001323069.2); c.1768-11CT[2] (NM_001323067.2); c.1825-11CT[2] (NM_001242339.2); c.1201-11CT[2] (NM_001323074.1, NM_001323073.1); c.1048-11CT[2] (NM_001323070.1).
Identifiers: ClinVar variation 3029953 (VCV003029953.2), dbSNP rs752780559, ClinGen allele CA5386551.

ClinVar aggregate classification (germline): Likely benign (0 of 4 stars; one submission).

Conditions:
PFKP-related disorder. Also called: PFKP-related condition.

Submission:

PreventionGenetics, part of Exact Sciences
Classification: Likely benign for PFKP-related condition. Last evaluated: 2023-04-11. Review status: no assertion criteria provided. Collection method: clinical testing. Allele origin: germline.
Comment: This variant is classified as likely benign based on ACMG/AMP sequence variant interpretation guidelines (Richards et al. 2015 PMID: 25741868, with internal and published modifications).